The following is an entry in ClinVar:

ClinVar aggregate classification (germline): Uncertain significance. Review status: criteria provided, multiple submitters, no conflicts (2 of 4 stars). 2 submissions from 2 submitters: Uncertain significance (2). Last evaluated 2025-07-15.

Allele frequency attached by ClinVar (database versions not stated): gnomAD 0.00002; TOPMed 0.00001.
gnomAD v4.1: 5 of 1,543,284 alleles (0.00032%); highest among the groups gnomAD compares: Admixed American, 0.0037%; no homozygotes.

Submissions (2):

Labcorp Genetics (formerly Invitae), Labcorp
Classification: Uncertain significance. Last evaluated: 2025-07-15. Review status: criteria provided, single submitter. Criteria: Invitae Variant Classification Sherloc (09022015). Collection method: clinical testing. Allele origin: germline.
Comment: This sequence change replaces phenylalanine, which is neutral and non-polar, with leucine, which is neutral and non-polar, at codon 17 of the CD81 protein (p.Phe17Leu). The frequency data for this variant in the population databases is considered unreliable, as metrics indicate poor data quality at this position in the gnomAD database. This variant has not been reported in the literature in individuals affected with CD81-related conditions. ClinVar contains an entry for this variant (Variation ID: 2889092). An algorithm developed to predict the effect of missense changes on protein structure and function (PolyPhen-2) suggests that this variant is likely to be tolerated. In summary, the available evidence is currently insufficient to determine the role of this variant in disease. Therefore, it has been classified as a Variant of Uncertain Significance.

Ambry Genetics
Classification: Uncertain significance. Last evaluated: 2024-08-28. Review status: criteria provided, single submitter. Criteria: Ambry Variant Classification Scheme 2023. Collection method: clinical testing. Allele origin: germline.

NM_004356.4(CD81):c.49T>C (p.Phe17Leu)

Genes: CD81 (CD81 molecule; plus strand), CD81-AS1 (CD81 antisense RNA 1; minus strand). Cytogenetic location: 11p15.5.
Variant type: single nucleotide variant.
Coding change: c.49T>C on transcript NM_004356.4 (MANE Select); coding-DNA position 49, T replaced by C.
Protein change: p.Phe17Leu; replaces phenylalanine 17 with leucine.
Molecular consequence: missense variant. On other transcripts: non-coding transcript variant (1), intron variant (1).
Genome position (GRCh38, 1-based): chr11:2,377,598, T>C. VCF-style: chr11-2377598-T-C. GRCh37 (hg19) VCF-style: chr11-2398828-T-C.
Other names: c.-161T>C (NM_001425130.1); c.49T>C, p.Phe17Leu (NM_001425135.1, NM_001425137.1); c.-148+1241T>C (NM_001297649.2); short protein forms F17L.
Identifiers: ClinVar variation 2889092 (VCV002889092.4), dbSNP rs1046814935, ClinGen allele CA216278509.